The following is an entry in ClinVar:

NM_006348.5(COG5):c.878C>T (p.Ala293Val)

Gene: COG5 (component of oligomeric golgi complex 5; minus strand). Cytogenetic location: 7q22.3.
Variant type: single nucleotide variant.
Coding change: c.878C>T on transcript NM_006348.5 (MANE Select); coding-DNA position 878, C replaced by T.
Protein change: p.Ala293Val; replaces alanine 293 with valine.
Molecular consequence: missense variant. On other transcripts: intron variant (2).
Genome position (GRCh38, 1-based): chr7:107,362,378, G>A on the plus strand (C>T on the coding strand, the complement: COG5 is on the minus strand). VCF-style: chr7-107362378-G-A. GRCh37 (hg19) VCF-style: chr7-107002823-G-A.
Other names: c.878C>T, p.Ala293Val (NM_181733.4, NM_001161520.2, NM_001379511.1 and 3 more transcripts); c.235-268C>T (NM_001379516.1); c.539-64032C>T (NM_001379515.1); short protein forms A293V.
Identifiers: ClinVar variation 1498971 (VCV001498971.6), dbSNP rs2129046276, ClinGen allele CA368940192.

ClinVar aggregate classification (germline): Uncertain significance (1 of 4 stars; one submission).

Conditions:
COG5-congenital disorder of glycosylation. Also called: CONGENITAL DISORDER OF GLYCOSYLATION, TYPE IIi; CDG IIi; COG5-CDG. Identifiers: Orphanet 263487, MedGen C3150876, MONDO:0013325, OMIM 613612.

gnomAD v4.1: 1 of 1,613,910 alleles (0.000062%); highest among the groups gnomAD compares: Non-Finnish European, 0.000085%; no homozygotes.

Submission:

Labcorp Genetics (formerly Invitae), Labcorp
Classification: Uncertain significance for COG5-congenital disorder of glycosylation. Last evaluated: 2024-01-24. Review status: criteria provided, single submitter. Criteria: Invitae Variant Classification Sherloc (09022015). Collection method: clinical testing. Allele origin: germline.
Comment: This sequence change replaces alanine, which is neutral and non-polar, with valine, which is neutral and non-polar, at codon 324 of the COG5 protein (p.Ala324Val). This variant is not present in population databases (gnomAD no frequency). This variant has not been reported in the literature in individuals affected with COG5-related conditions. ClinVar contains an entry for this variant (Variation ID: 1498971). An algorithm developed to predict the effect of missense changes on protein structure and function (PolyPhen-2) suggests that this variant is likely to be disruptive. In summary, the available evidence is currently insufficient to determine the role of this variant in disease. Therefore, it has been classified as a Variant of Uncertain Significance.